The following is an entry in ClinVar:

ClinVar aggregate classification (germline): Likely benign (1 of 4 stars; one submission).

Allele frequency attached by ClinVar (database versions not stated): 1000 Genomes Project 0.00040; 1000 Genomes Project 30x 0.00062; gnomAD 0.00163.
gnomAD v4.1: 119 of 72,584 alleles (0.16%); highest among the groups gnomAD compares: Middle Eastern, 1.2%; no homozygotes.

Submission:

CeGaT Center for Human Genetics Tuebingen
Classification: Likely benign. Last evaluated: 2026-08-01. Review status: criteria provided, single submitter. Criteria: CeGaT Center For Human Genetics Tuebingen Variant Classification Criteria Version 2. Collection method: clinical testing. Allele origin: germline. Affected: yes. Observed: 15 variant alleles.
Comment: BRAF: BS1

NM_004333.6(BRAF):c.980+2064A>G

Gene: BRAF (B-Raf proto-oncogene, serine/threonine kinase; minus strand). Cytogenetic location: 7q34.
Variant type: single nucleotide variant.
Coding change: c.980+2064A>G on transcript NM_004333.6 (MANE Select); 2064 bases into the intron after coding-DNA position 980, A replaced by G.
Molecular consequence: intron variant.
Genome position (GRCh38, 1-based): chr7:140,798,298, T>C on the plus strand (A>G on the coding strand, the complement: BRAF is on the minus strand). VCF-style: chr7-140798298-T-C. GRCh37 (hg19) VCF-style: chr7-140498098-T-C.
Other names: c.716+2064A>G (NM_001378475.1); c.980+2064A>G (NM_001378471.1, NM_001378468.1, NM_001354609.2 and 4 more transcripts); c.989+2064A>G (NM_001378467.1); c.824+2064A>G (NM_001378472.1, NM_001378473.1); c.878+2064A>G (NM_001378470.1).
Identifiers: ClinVar variation 2658086 (VCV002658086.24), dbSNP rs558825106, ClinGen allele CA168104005.